The following is an entry in ClinVar:

NM_006796.3(AFG3L2):c.416del (p.Asp139fs)

Gene: AFG3L2 (AFG3 like matrix AAA peptidase subunit 2; minus strand). Cytogenetic location: 18p11.21.
Variant type: Deletion.
Coding change: c.416del on transcript NM_006796.3 (MANE Select); coding-DNA position 416, one base deleted (A; older notation c.416delA).
Protein change: p.Asp139fs; shifts the reading frame from aspartic acid 139.
Molecular consequence: frameshift variant.
Genome position (GRCh38, 1-based): chr18:12,367,101, T deleted on the plus strand (A on the coding strand, the reverse complement: AFG3L2 is on the minus strand). VCF-style (leftmost placement, unchanged base first): chr18-12367100-GT-G. GRCh37 (hg19) VCF-style: chr18-12367099-GT-G.
Other names: short protein forms D139fs.
Identifiers: ClinVar variation 2838891 (VCV002838891.3), dbSNP rs2510233343, ClinGen allele CA2739268545.

ClinVar aggregate classification (germline): Pathogenic (1 of 4 stars; one submission).

Submission:

Labcorp Genetics (formerly Invitae), Labcorp
Classification: Pathogenic. Last evaluated: 2023-06-16. Review status: criteria provided, single submitter. Criteria: Invitae Variant Classification Sherloc (09022015). Collection method: clinical testing. Allele origin: germline.
Comment: This sequence change creates a premature translational stop signal (p.Asp139Alafs*46) in the AFG3L2 gene. It is expected to result in an absent or disrupted protein product. Loss-of-function variants in AFG3L2 are known to be pathogenic (PMID: 32248051). This variant is not present in population databases (gnomAD no frequency). This variant has not been reported in the literature in individuals affected with AFG3L2-related conditions. For these reasons, this variant has been classified as Pathogenic.

Literature cited by the submitters: PubMed 32248051.